The following is an entry in ClinVar:

ClinVar aggregate classification (germline): Uncertain significance (1 of 4 stars; one submission).

Conditions:
Tip-toe gait. Also called: Toe walking. Identifiers: MedGen C0427144, HP:0030051.

gnomAD v4.1: 1 of 1,613,614 alleles (0.000062%); highest among the groups gnomAD compares: Non-Finnish European, 0.000085%; no homozygotes.

Submission:

Practice for Gait Abnormalities, David Pomarino, Competency Network Toe Walking C/o Practice Pomarino
Classification: Uncertain significance for Tip-toe gait. Last evaluated: 2020-12-08. Review status: criteria provided, single submitter. Criteria: ACMG Guidelines, 2015. Collection method: clinical testing. Allele origin: unknown. Affected: yes. Observed: 1 variant allele, 1 heterozygote.
Comment: Gait disorder

Literature cited by the submitters: PubMed 37091313.

NM_001128164.2(ATXN1):c.1563G>C (p.Thr521=)

Gene: ATXN1 (ataxin 1; minus strand). Cytogenetic location: 6p22.3.
Variant type: single nucleotide variant.
Coding change: c.1563G>C on transcript NM_001128164.2 (MANE Select); coding-DNA position 1563, G replaced by C.
Protein change: p.Thr521=; no amino-acid change (threonine 521 retained).
Molecular consequence: synonymous variant. On other transcripts: 3 prime UTR variant (1).
Genome position (GRCh38, 1-based): chr6:16,326,748, C>G on the plus strand (G>C on the coding strand, the complement: ATXN1 is on the minus strand). VCF-style: chr6-16326748-C-G. GRCh37 (hg19) VCF-style: chr6-16326979-C-G.
Other names: c.1563G>C, p.Thr521= (NM_000332.4); c.*976G>C (NM_001357857.2).
Identifiers: ClinVar variation 1048085 (VCV001048085.4), dbSNP rs528819863, ClinGen allele CA448954596.